The following is an entry in ClinVar:

ClinVar aggregate classification (germline): Uncertain significance (1 of 4 stars; one submission).

Conditions:
Inborn genetic diseases. Identifiers: MedGen C0950123, MeSH D030342.

gnomAD v4.1: 1 of 1,613,066 alleles (0.000062%); highest among the groups gnomAD compares: Non-Finnish European, 0.000085%; no homozygotes.

Submission:

Ambry Genetics
Classification: Uncertain significance for Inborn genetic diseases. Last evaluated: 2021-12-06. Review status: criteria provided, single submitter. Criteria: Ambry Variant Classification Scheme 2023. Collection method: clinical testing. Allele origin: germline.
Comment: The p.K2206N variant (also known as c.6618A>C), located in coding exon 39 of the ATR gene, results from an A to C substitution at nucleotide position 6618. The lysine at codon 2206 is replaced by asparagine, an amino acid with similar properties. This amino acid position is conserved. In addition, this alteration is predicted to be tolerated by in silico analysis. Since supporting evidence is limited at this time, the clinical significance of this alteration remains unclear.

NM_001184.4(ATR):c.6618A>C (p.Lys2206Asn)

Gene: ATR (ATR checkpoint kinase; minus strand). Cytogenetic location: 3q23.
Variant type: single nucleotide variant.
Coding change: c.6618A>C on transcript NM_001184.4 (MANE Select); coding-DNA position 6618, A replaced by C.
Protein change: p.Lys2206Asn; replaces lysine 2206 with asparagine.
Molecular consequence: missense variant.
Genome position (GRCh38, 1-based): chr3:142,468,003, T>G on the plus strand (A>C on the coding strand, the complement: ATR is on the minus strand). VCF-style: chr3-142468003-T-G. GRCh37 (hg19) VCF-style: chr3-142186845-T-G.
Other names: c.6426A>C, p.Lys2142Asn (NM_001354579.2); short protein forms K2142N, K2206N.
Identifiers: ClinVar variation 1754495 (VCV001754495.2), dbSNP rs2108276061, ClinGen allele CA354803553.